The following is an entry in ClinVar:

NM_022463.5(NXN):c.357G>A (p.Arg119=)

Gene: NXN (nucleoredoxin; minus strand). Cytogenetic location: 17p13.3.
Variant type: single nucleotide variant.
Coding change: c.357G>A on transcript NM_022463.5 (MANE Select); coding-DNA position 357, G replaced by A.
Protein change: p.Arg119=; no amino-acid change (arginine 119 retained).
Molecular consequence: synonymous variant.
Genome position (GRCh38, 1-based): chr17:979,322, C>T on the plus strand (G>A on the coding strand, the complement: NXN is on the minus strand). VCF-style: chr17-979322-C-T. GRCh37 (hg19) VCF-style: chr17-882562-C-T.
Other names: c.357G>A (NM_022463.4).
Identifiers: ClinVar variation 1558973 (VCV001558973.11), dbSNP rs191853016, ClinGen allele CA8264273.

ClinVar aggregate classification (germline): Benign/Likely benign. Review status: criteria provided, multiple submitters, no conflicts (2 of 4 stars). 3 submissions from 3 submitters: Benign (1); Likely benign (1). 1 of the submissions does not count toward it. Last evaluated 2026-01-23.

Conditions:
NXN-related disorder. Also called: NXN-related condition.

Allele frequency attached by ClinVar (database versions not stated): gnomAD exomes 0.00035 and 0.00066; ExAC 0.00143; ESP Exome Variant Server 0.00237; gnomAD 0.00334 and 0.00351; TOPMed 0.00398; 1000 Genomes Project 0.00419; 1000 Genomes Project 30x 0.00453.
gnomAD v4.1: 1,004 of 1,523,344 alleles (0.066%); highest among the groups gnomAD compares: African/African-American, 1.2%; 9 homozygotes.

Submissions (3):

Labcorp Genetics (formerly Invitae), Labcorp
Classification: Benign. Last evaluated: 2026-01-23. Review status: criteria provided, single submitter. Criteria: Invitae Variant Classification Sherloc (09022015). Collection method: clinical testing. Allele origin: germline.

Blueprint Genetics
Classification: Likely benign. Last evaluated: 2024-11-07. Review status: criteria provided, single submitter. Criteria: ACMG Guidelines, 2015. Collection method: clinical testing. Allele origin: germline.

PreventionGenetics, part of Exact Sciences
Classification: Benign for NXN-related condition. Last evaluated: 2019-07-30. Review status: no assertion criteria provided. Collection method: clinical testing. Allele origin: germline. Not counted in ClinVar's aggregate classification.
Comment: This variant is classified as benign based on ACMG/AMP sequence variant interpretation guidelines (Richards et al. 2015 PMID: 25741868, with internal and published modifications).